The following is an entry in ClinVar:

NM_032290.4(SLF1):c.2376C>T (p.Pro792=)

Gene: SLF1 (SMC5/6 complex localization factor 1; plus strand). Cytogenetic location: 5q15.
Variant type: single nucleotide variant.
Coding change: c.2376C>T on transcript NM_032290.4 (MANE Select); coding-DNA position 2376, C replaced by T.
Protein change: p.Pro792=; no amino-acid change (proline 792 retained).
Molecular consequence: synonymous variant.
Genome position (GRCh38, 1-based): chr5:94,689,563, C>T. VCF-style: chr5-94689563-C-T. GRCh37 (hg19) VCF-style: chr5-94025268-C-T.
Identifiers: ClinVar variation 2655592 (VCV002655592.24), dbSNP rs758746065, ClinGen allele CA3344759.

ClinVar aggregate classification (germline): Likely benign (1 of 4 stars; one submission).

Allele frequency attached by ClinVar (database versions not stated): gnomAD exomes below 0.00001; ExAC 0.00002.

Submission:

CeGaT Center for Human Genetics Tuebingen
Classification: Likely benign. Last evaluated: 2022-10-01. Review status: criteria provided, single submitter. Criteria: CeGaT Center For Human Genetics Tuebingen Variant Classification Criteria Version 2. Collection method: clinical testing. Allele origin: germline. Affected: yes. Observed: 1 variant allele.
Comment: SLF1: BP4, BP7